The following is an entry in ClinVar:

NM_020297.4(ABCC9):c.259dup (p.Ile87fs)

Gene: ABCC9 (ATP binding cassette subfamily C member 9; minus strand). Cytogenetic location: 12p12.1.
Variant type: Duplication.
Coding change: c.259dup on transcript NM_020297.4 (MANE Select); coding-DNA position 259, one base duplicated (A; older notation c.259dupA).
Protein change: p.Ile87fs; shifts the reading frame from isoleucine 87.
Molecular consequence: frameshift variant. On other transcripts: 5 prime UTR variant (1).
Genome position (GRCh38, 1-based): chr12:21,933,807, T duplicated on the plus strand (A on the coding strand, the reverse complement: ABCC9 is on the minus strand); the first of 3 consecutive T bases (chr12:21,933,807-21,933,809); duplicating any one gives the same sequence. VCF-style (leftmost placement, unchanged base first): chr12-21933806-A-AT. GRCh37 (hg19) VCF-style: chr12-22086740-A-AT.
Other names: c.259dup, p.Ile87fs (NM_001377273.1, NM_005691.4); c.-196dup (NM_001377274.1); short protein forms I87fs.
Identifiers: ClinVar variation 2081678 (VCV002081678.4), dbSNP rs2541877986, ClinGen allele CA2580085287.

ClinVar aggregate classification (germline): Pathogenic (1 of 4 stars; one submission).

Conditions:
Dilated cardiomyopathy 1O (CMD1O). Also called: CARDIOMYOPATHY, DILATED, WITH VENTRICULAR TACHYCARDIA. Identifiers: Orphanet 154, MedGen C1837839, MONDO:0012062, OMIM 608569.

Submission:

Labcorp Genetics (formerly Invitae), Labcorp
Classification: Pathogenic for Dilated cardiomyopathy 1O. Last evaluated: 2024-10-01. Review status: criteria provided, single submitter. Criteria: Invitae Variant Classification Sherloc (09022015). Collection method: clinical testing. Allele origin: germline.
Comment: This sequence change creates a premature translational stop signal (p.Ile87Asnfs*38) in the ABCC9 gene. It is expected to result in an absent or disrupted protein product. Loss-of-function variants in ABCC9 are known to be pathogenic (PMID: 31575858, 38217872). This variant is not present in population databases (gnomAD no frequency). This variant has not been reported in the literature in individuals affected with ABCC9-related conditions. ClinVar contains an entry for this variant (Variation ID: 2081678). For these reasons, this variant has been classified as Pathogenic.

Literature cited by the submitters: PubMed 31575858; PubMed 38217872.